The following is an entry in ClinVar:

NM_000059.4(BRCA2):c.68-520G>T

Gene: BRCA2 (BRCA2 DNA repair associated; plus strand). Cytogenetic location: 13q13.1.
Variant type: single nucleotide variant.
Coding change: c.68-520G>T on transcript NM_000059.4 (MANE Select); 520 bases into the intron before coding-DNA position 68, G replaced by T.
Molecular consequence: intron variant.
Genome position (GRCh38, 1-based): chr13:32,318,557, G>T. VCF-style: chr13-32318557-G-T. GRCh37 (hg19) VCF-style: chr13-32892694-G-T.
Other names: IVS 2-520G>T.
Identifiers: ClinVar variation 209614 (VCV000209614.2), dbSNP rs11571582, ClinGen allele CA276583.

ClinVar aggregate classification (germline): Benign. Review status: reviewed by expert panel (3 of 4 stars). 2 submissions from 2 submitters: Benign (1). 1 of the submissions does not count toward it. Last evaluated 2015-01-12.

Conditions:
Breast-ovarian cancer, familial, susceptibility to, 2 (BROVCA2). Also called: BRCA2 Hereditary Breast and Ovarian Cancer. Identifiers: Orphanet 145, MedGen C2675520, MONDO:0012933, OMIM 612555. Disease mechanism: loss of function.

Allele frequency attached by ClinVar (database versions not stated): gnomAD 0.04113 and 0.04431; TOPMed 0.04579; 1000 Genomes Project 30x 0.07261; 1000 Genomes Project 0.07348.
gnomAD v4.1: 6,770 of 152,006 alleles (4.5%); highest among the groups gnomAD compares: Admixed American, 10%; 236 homozygotes.

Submissions (2):

Evidence-based Network for the Interpretation of Germline Mutant Alleles (ENIGMA)
Classification: Benign for Breast-ovarian cancer, familial 2. Last evaluated: 2015-01-12. Review status: reviewed by expert panel. Criteria: ENIGMA BRCA1/2 Classification Criteria (2015). Collection method: curation. Allele origin: germline.
Comment: Class 1 not pathogenic based on frequency >1% in an outbred sampleset. Frequency 0.09441 (Asian), 0.01626 (African), 0.04617 (European), derived from 1000 genomes (2012-04-30).

Breakthrough Genomics
Classification: Benign. Review status: criteria provided, single submitter. Criteria: ACMG Guidelines, 2015. Collection method: not provided. Allele origin: germline. Inheritance: Autosomal recessive inheritance. Affected: yes. Not counted in ClinVar's aggregate classification.